The following is an entry in ClinVar:

ClinVar aggregate classification (germline): Pathogenic/Likely pathogenic. Review status: criteria provided, multiple submitters, no conflicts (2 of 4 stars). 4 submissions from 4 submitters: Pathogenic (2); Likely pathogenic (2). Last evaluated 2026-07-16.

Conditions:
Hereditary diffuse gastric adenocarcinoma (HDGC). Also called: DIFFUSE GASTRIC AND LOBULAR BREAST CANCER SYNDROME. Identifiers: Orphanet 26106, MedGen C1708349, MONDO:0007648, OMIM 137215.
Endometrial carcinoma. Also called: Endometrial carcinoma, somatic. Identifiers: MedGen C0476089, MONDO:0002447, OMIM 608089, HP:0012114.
Ovarian cancer. Also called: OVARIAN CANCER, SOMATIC. Identifiers: Orphanet 213500, MedGen C1140680, MONDO:0008170, OMIM 167000.
Familial cancer of breast. Also called: Hereditary breast cancer; BREAST CANCER, FAMILIAL; hereditary breast carcinoma. Identifiers: Orphanet 227535, MedGen C0346153, MONDO:0016419, OMIM 114480. Disease mechanism: loss of function.
Blepharocheilodontic syndrome 1 (BCDS1). Identifiers: Orphanet 1997, MedGen C4551988, MONDO:0054740, OMIM 119580.
Hereditary cancer-predisposing syndrome. Also called: Neoplastic Syndromes, Hereditary; Hereditary Cancer Syndrome; Tumor predisposition; Hereditary neoplastic syndrome. Identifiers: Orphanet 140162, MedGen C0027672, MeSH D009386, MONDO:0015356.

Submissions (4):

Ambry Genetics
Classification: Pathogenic for Hereditary cancer-predisposing syndrome. Last evaluated: 2026-07-16. Review status: criteria provided, single submitter. Criteria: Ambry Variant Classification Scheme 2023. Collection method: clinical testing. Allele origin: germline.
Comment: The p.Y107* pathogenic mutation (also known as c.321C>G), located in coding exon 3 of the CDH1 gene, results from a C to G substitution at nucleotide position 321. This changes the amino acid from a tyrosine to a stop codon within coding exon 3. This variant is considered to be rare based on population cohorts in the Genome Aggregation Database (gnomAD). This alteration is expected to result in loss of function by premature protein truncation or nonsense-mediated mRNA decay. As such, this alteration is interpreted as a disease-causing mutation.

Fulgent Genetics
Classification: Likely pathogenic for Familial cancer of breast; Blepharocheilodontic syndrome 1; Hereditary diffuse gastric adenocarcinoma; Ovarian cancer; Endometrial carcinoma. Last evaluated: 2024-05-20. Review status: criteria provided, single submitter. Criteria: ACMG Guidelines, 2015. Collection method: clinical testing. Allele origin: germline.

Myriad Genetics, Inc.
Classification: Pathogenic for Hereditary diffuse gastric adenocarcinoma. Last evaluated: 2023-06-08. Review status: criteria provided, single submitter. Criteria: Myriad Autosomal Dominant, Autosomal Recessive and X-Linked Classification Criteria (2023). Collection method: clinical testing. Allele origin: unknown.
Comment: This variant is considered pathogenic. This variant creates a termination codon and is predicted to result in premature protein truncation.

Women's Health and Genetics/Laboratory Corporation of America, LabCorp
Classification: Likely pathogenic for Familial cancer of breast. Last evaluated: 2019-10-22. Review status: criteria provided, single submitter. Criteria: LabCorp Variant Classification Summary - May 2015. Collection method: clinical testing. Allele origin: germline.
Comment: Variant summary: CDH1 c.321C>G (p.Tyr107X) results in a premature termination codon, predicted to cause a truncation of the encoded protein or absence of the protein due to nonsense mediated decay, which are commonly known mechanisms for disease. Truncations downstream of this position have been classified as likely pathogenic and pathogenic by our laboratory. The variant was absent in 251250 control chromosomes (gnomAD). To our knowledge, no occurrence of c.321C>G in individuals affected with Breast Cancer and no experimental evidence demonstrating its impact on protein function have been reported. No clinical diagnostic laboratories have submitted clinical-significance assessments for this variant to ClinVar after 2014. Based on the evidence outlined above, the variant was classified as likely pathogenic.

NM_004360.5(CDH1):c.321C>G (p.Tyr107Ter)

Gene: CDH1 (cadherin 1; plus strand). Cytogenetic location: 16q22.1.
Variant type: single nucleotide variant.
Coding change: c.321C>G on transcript NM_004360.5 (MANE Select); coding-DNA position 321, C replaced by G.
Protein change: p.Tyr107Ter; replaces tyrosine 107 with a stop codon.
Molecular consequence: nonsense. On other transcripts: 5 prime UTR variant (2).
Genome position (GRCh38, 1-based): chr16:68,801,827, C>G. VCF-style: chr16-68801827-C-G. GRCh37 (hg19) VCF-style: chr16-68835730-C-G.
Other names: c.321C>G, p.Tyr107Ter (NM_001317184.2); c.-1295C>G (NM_001317185.2); c.-1499C>G (NM_001317186.2); c.321C>G (NM_004360.3); short protein forms Y107*.
Identifiers: ClinVar variation 929048 (VCV000929048.6), dbSNP rs765929630, ClinGen allele CA396457381.